The following is an entry in ClinVar:

ClinVar aggregate classification (germline): Uncertain significance (1 of 4 stars; one submission).

Conditions:
Ehlers-Danlos syndrome due to tenascin-X deficiency (EDSCLL1). Also called: TNX DEFICIENCY; EDS DUE TO TNX DEFICIENCY; EHLERS-DANLOS SYNDROME, CLASSIC-LIKE; Ehlers-Danlos syndrome, classic-like, 1; TNXB-Related Classical-Like Ehlers-Danlos Syndrome. Identifiers: Orphanet 230839, MedGen C1848029, MONDO:0011670, OMIM 606408.

Submission:

Myriad Genetics, Inc.
Classification: Uncertain significance for Ehlers-Danlos syndrome due to tenascin-X deficiency. Last evaluated: 2025-07-29. Review status: criteria provided, single submitter. Criteria: Myriad Autosomal Dominant, Autosomal Recessive and X-Linked Classification Criteria (2023). Collection method: clinical testing. Allele origin: unknown.
Comment: NM_019105.6(TNXB):c.8467+2dupT is a variant in a canonical splice site classified as a variant of uncertain significance in the context of classical-like Ehlers-Danlos syndrome, TNXB-related. c.8467+2dupT has not been observed in cases with relevant disease. Relevant functional assessments of this variant are not available in the literature. c.8467+2dupT has not been observed in referenced population frequency databases. In summary, there is insufficient evidence to classify NM_019105.6(TNXB):c.8467+2dupT as pathogenic or benign. Please note: this variant was assessed in the context of healthy population screening.

NM_001365276.2(TNXB):c.8467+2dup

Gene: TNXB (tenascin XB; minus strand). Cytogenetic location: 6p21.33.
Variant type: Duplication.
Coding change: c.8467+2dup on transcript NM_001365276.2 (MANE Select); the canonical splice donor site of the intron after coding-DNA position 8467, one base duplicated (T; older notation c.8467+2dupT).
Molecular consequence: splice donor variant.
Genome position (GRCh38, 1-based): chr6:32,055,849, A duplicated on the plus strand (T on the coding strand, the reverse complement: TNXB is on the minus strand). VCF-style (leftmost placement, unchanged base first): chr6-32055848-C-CA. GRCh37 (hg19) VCF-style: chr6-32023625-C-CA.
Other names: c.8467+2dup (NM_019105.8); c.9208+2dup (NM_001428335.1).
Identifiers: ClinVar variation 5004091 (VCV005004091.1).